The following is an entry in ClinVar:

ClinVar aggregate classification (germline): Uncertain significance. Review status: criteria provided, multiple submitters, no conflicts (2 of 4 stars). 6 submissions from 6 submitters: Uncertain significance (4). 2 of the submissions do not count toward it. Last evaluated 2026-07-29.

Conditions:
Cardiovascular phenotype. Identifiers: MedGen CN230736.
Long QT syndrome 12 (LQT12). Identifiers: Orphanet 101016, Orphanet 768, MedGen C2751830, MONDO:0013062, OMIM 612955.
Long QT syndrome (LQTS). Identifiers: MedGen C0023976, MeSH D008133, MONDO:0002442. Disease mechanism: loss of function. Inheritance: Various modes of inheritance.

Allele frequency attached by ClinVar (database versions not stated): ExAC 0.00001; gnomAD 0.00001; TOPMed 0.00001; ESP Exome Variant Server 0.00008.
gnomAD v4.1: 54 of 1,605,028 alleles (0.0034%); highest among the groups gnomAD compares: Non-Finnish European, 0.0045%; no homozygotes.

Submissions (6):

GeneDx
Classification: Uncertain significance. Last evaluated: 2026-07-29. Review status: criteria provided, single submitter. Criteria: GeneDx Variant Classification Process June 2021. Collection method: clinical testing. Allele origin: germline.
Comment: Not observed at significant frequency in large population cohorts (gnomAD); In silico analysis supports a deleterious effect on splicing; This variant is associated with the following publications: (PMID: 30847666)

Labcorp Genetics (formerly Invitae), Labcorp
Classification: Uncertain significance for Long QT syndrome. Last evaluated: 2026-01-15. Review status: criteria provided, single submitter. Criteria: Invitae Variant Classification Sherloc (09022015). Collection method: clinical testing. Allele origin: germline.
Comment: This sequence change falls in intron 2 of the SNTA1 gene. It does not directly change the encoded amino acid sequence of the SNTA1 protein. This variant is present in population databases (rs202178576, gnomAD 0.004%). This variant has been observed in individual(s) with SNTA1-related conditions (PMID: 30847666). ClinVar contains an entry for this variant (Variation ID: 1284709). Algorithms developed to predict the effect of sequence changes on RNA splicing suggest that this variant may disrupt the consensus splice site. In summary, the available evidence is currently insufficient to determine the role of this variant in disease. Therefore, it has been classified as a Variant of Uncertain Significance.

Ambry Genetics
Classification: Uncertain significance for Cardiovascular phenotype. Last evaluated: 2025-04-06. Review status: criteria provided, single submitter. Criteria: Ambry Variant Classification Scheme 2023. Collection method: clinical testing. Allele origin: germline.
Comment: The c.497-5A>G intronic variant results from an A to G substitution 5 nucleotides upstream from coding exon 3 in the SNTA1 gene. This nucleotide position is well conserved in available vertebrate species. In silico splice site analysis predicts that this alteration will result in the creation or strengthening of a novel splice acceptor site. The evidence for this gene-disease relationship is limited; therefore, the clinical significance of this alteration is unclear.

Fulgent Genetics
Classification: Uncertain significance for Long QT syndrome 12. Last evaluated: 2021-08-24. Review status: criteria provided, single submitter. Criteria: ACMG Guidelines, 2015. Collection method: clinical testing. Allele origin: unknown.

Clinical Genetics, Academic Medical Center
Classification: Uncertain significance. Review status: no assertion criteria provided. Collection method: clinical testing. Allele origin: germline. Affected: yes. Study: VKGL Data-share Consensus. Not counted in ClinVar's aggregate classification.

Genome Diagnostics Laboratory, University Medical Center Utrecht
Classification: Uncertain significance. Review status: no assertion criteria provided. Collection method: clinical testing. Allele origin: germline. Affected: yes. Study: VKGL Data-share Consensus. Not counted in ClinVar's aggregate classification.

Literature cited by the submitters: PubMed 30847666 (cited by Labcorp Genetics (formerly Invitae), Labcorp and Ambry Genetics).

NM_003098.3(SNTA1):c.497-5A>G

Gene: SNTA1 (syntrophin alpha 1; minus strand). Cytogenetic location: 20q11.21.
Variant type: single nucleotide variant.
Coding change: c.497-5A>G on transcript NM_003098.3 (MANE Select); 5 bases into the intron before coding-DNA position 497, A replaced by G.
Molecular consequence: intron variant.
Genome position (GRCh38, 1-based): chr20:33,417,928, T>C on the plus strand (A>G on the coding strand, the complement: SNTA1 is on the minus strand). VCF-style: chr20-33417928-T-C. GRCh37 (hg19) VCF-style: chr20-32005734-T-C.
Identifiers: ClinVar variation 1284709 (VCV001284709.13), dbSNP rs202178576, ClinGen allele CA9817205.